The following is an entry in ClinVar:

ClinVar aggregate classification (germline): Uncertain significance (1 of 4 stars; one submission).

Conditions:
Birt-Hogg-Dube syndrome. Also called: Birt Hogg Dubé syndrome. Identifiers: Orphanet 122, MedGen C0346010, MONDO:0800444.

Submission:

Labcorp Genetics (formerly Invitae), Labcorp
Classification: Uncertain significance for Birt-Hogg-Dube syndrome. Last evaluated: 2021-12-29. Review status: criteria provided, single submitter. Criteria: Invitae Variant Classification Sherloc (09022015). Collection method: clinical testing. Allele origin: germline.
Comment: In summary, the available evidence is currently insufficient to determine the role of this variant in disease. Therefore, it has been classified as a Variant of Uncertain Significance. Experimental studies and prediction algorithms are not available or were not evaluated, and the functional significance of this variant is currently unknown. This variant has not been reported in the literature in individuals affected with FLCN-related conditions. This variant results in a copy number gain of the genomic region encompassing exon(s) 1-13 of the FLCN gene. This region includes the initiator codon of the gene. This copy number gain extends beyond the assayed region for this gene and therefore may encompass additional genes. As the precise location of this event is unknown, it may be in tandem or it may be located elsewhere in the genome.

NC_000017.10:g.(?_17118289)_(17140502_?)dup

Gene: FLCN (folliculin; minus strand). Cytogenetic location: 17p11.2.
Variant type: Duplication.
Identifiers: ClinVar variation 2427322 (VCV002427322.6).